The following is an entry in ClinVar:

ClinVar aggregate classification (germline): Benign/Likely benign. Review status: criteria provided, multiple submitters, no conflicts (2 of 4 stars). 4 submissions from 4 submitters: Benign (1); Likely benign (3). Last evaluated 2026-05-30.

Conditions:
Catecholaminergic polymorphic ventricular tachycardia 1. Also called: VENTRICULAR TACHYCARDIA, CATECHOLAMINERGIC POLYMORPHIC, 1, WITH OR WITHOUT ATRIAL DYSFUNCTION AND/OR DILATED CARDIOMYOPATHY; VENTRICULAR TACHYCARDIA, STRESS-INDUCED POLYMORPHIC 1; RYR2-Related Catecholaminergic Polymorphic Ventricular Tachycardia. Identifiers: Orphanet 3286, MedGen C1631597, MONDO:0011484, OMIM 604772.

Allele frequency attached by ClinVar (database versions not stated): gnomAD exomes 0.00002 and 0.00004; TOPMed 0.00003; ExAC 0.00004; gnomAD 0.00005 and 0.00006; ESP Exome Variant Server 0.00008.
gnomAD v4.1: 44 of 1,612,600 alleles (0.0027%); highest among the groups gnomAD compares: Middle Eastern, 0.066%; 1 homozygote.

Submissions (4):

Women's Health and Genetics/Laboratory Corporation of America, LabCorp
Classification: Benign. Last evaluated: 2026-05-30. Review status: criteria provided, single submitter. Criteria: LabCorp Variant Classification Summary - May 2015. Collection method: clinical testing. Allele origin: germline.

Labcorp Genetics (formerly Invitae), Labcorp
Classification: Likely benign for Catecholaminergic polymorphic ventricular tachycardia 1. Last evaluated: 2025-12-15. Review status: criteria provided, single submitter. Criteria: Invitae Variant Classification Sherloc (09022015). Collection method: clinical testing. Allele origin: germline.

Blueprint Genetics
Classification: Likely benign. Last evaluated: 2023-07-06. Review status: criteria provided, single submitter. Criteria: ACMG Guidelines, 2015. Collection method: clinical testing. Allele origin: germline.

Laboratory for Molecular Medicine, Mass General Brigham Personalized Medicine
Classification: Likely benign. Last evaluated: 2012-03-19. Review status: criteria provided, single submitter. Criteria: LMM Criteria. Collection method: clinical testing. Allele origin: germline. Observed: 1 variant allele.
Comment: 6616+8G>A in intron 40 of RYR2: This variant is not expected to have clinical si gnificance because it is not located within the conserved region of the splice c onsensus sequence. 6616+8G>A in intron 40 of RYR2 (allele frequency = n/a)

NM_001035.3(RYR2):c.6166+8G>A

Gene: RYR2 (ryanodine receptor 2; plus strand). Cytogenetic location: 1q43.
Variant type: single nucleotide variant.
Coding change: c.6166+8G>A on transcript NM_001035.3 (MANE Select); 8 bases into the intron after coding-DNA position 6166, G replaced by A.
Molecular consequence: intron variant.
Genome position (GRCh38, 1-based): chr1:237,625,812, G>A. VCF-style: chr1-237625812-G-A. GRCh37 (hg19) VCF-style: chr1-237789112-G-A.
Identifiers: ClinVar variation 43812 (VCV000043812.17), dbSNP rs373112536, ClinGen allele CA010091.
Genomic context (GRCh38, chr1:237,625,812, plus strand): 5'-TCTGAAGAAGAAGCAAGCAGAAAAACCAGTTGAGAGTGACTCCAAAAAGTCCTGTAAGCA[G>A]TATGAGAGTGCACTGGCAGAATGACCCAACTGCTGACACTTAACTCATCCTTTGAACGAA-3'